The following is an entry in ClinVar:

ClinVar aggregate classification (germline): Uncertain significance (1 of 4 stars; one submission).

Conditions:
Duane-radial ray syndrome (DRRS). Also called: Duane-Radial Ray Syndrome (DRRS) / Okihiro Syndrome; ACRORENOOCULAR SYNDROME; DR SYNDROME; DUANE ANOMALY WITH RADIAL RAY ABNORMALITIES AND DEAFNESS; Okihiro Syndrome; Duane-Radial Ray Syndrome/Okihiro Syndrome. Identifiers: Orphanet 93293, Orphanet 959, MedGen C1623209, MONDO:0011812, OMIM 607323. Disease mechanism: gain of function.

gnomAD v4.1: 4 of 1,608,428 alleles (0.00025%); highest among the groups gnomAD compares: Admixed American, 0.0067%; no homozygotes.

Submission:

Labcorp Genetics (formerly Invitae), Labcorp
Classification: Uncertain significance for Duane-radial ray syndrome. Last evaluated: 2025-07-13. Review status: criteria provided, single submitter. Criteria: Invitae Variant Classification Sherloc (09022015). Collection method: clinical testing. Allele origin: germline.
Comment: This sequence change replaces aspartic acid, which is acidic and polar, with glycine, which is neutral and non-polar, at codon 59 of the SALL4 protein (p.Asp59Gly). The frequency data for this variant in the population databases is considered unreliable, as metrics indicate poor data quality at this position in the gnomAD database. This variant has not been reported in the literature in individuals affected with SALL4-related conditions. An algorithm developed to predict the effect of missense changes on protein structure and function (PolyPhen-2) suggests that this variant is likely to be tolerated. In summary, the available evidence is currently insufficient to determine the role of this variant in disease. Therefore, it has been classified as a Variant of Uncertain Significance.

NM_020436.5(SALL4):c.176A>G (p.Asp59Gly)

Gene: SALL4 (spalt like transcription factor 4; minus strand). Cytogenetic location: 20q13.2.
Variant type: single nucleotide variant.
Coding change: c.176A>G on transcript NM_020436.5 (MANE Select); coding-DNA position 176, A replaced by G.
Protein change: p.Asp59Gly; replaces aspartic acid 59 with glycine.
Molecular consequence: missense variant.
Genome position (GRCh38, 1-based): chr20:51,792,307, T>C on the plus strand (A>G on the coding strand, the complement: SALL4 is on the minus strand). VCF-style: chr20-51792307-T-C. GRCh37 (hg19) VCF-style: chr20-50408846-T-C.
Other names: c.176A>G, p.Asp59Gly (NM_001318031.2); short protein forms D59G.
Identifiers: ClinVar variation 4752822 (VCV004752822.1).